The following is an entry in ClinVar:

NM_078470.6(COX15):c.457C>T (p.Arg153Ter)

Gene: COX15 (cytochrome c oxidase assembly factor COX15; minus strand). Cytogenetic location: 10q24.2.
Variant type: single nucleotide variant.
Coding change: c.457C>T on transcript NM_078470.6 (MANE Select); coding-DNA position 457, C replaced by T.
Protein change: p.Arg153Ter; replaces arginine 153 with a stop codon.
Molecular consequence: nonsense. On other transcripts: intron variant (1).
Genome position (GRCh38, 1-based): chr10:99,727,093, G>A on the plus strand (C>T on the coding strand, the complement: COX15 is on the minus strand). VCF-style: chr10-99727093-G-A. GRCh37 (hg19) VCF-style: chr10-101486850-G-A.
Other names: c.457C>T, p.Arg153Ter (NM_001320974.2, NM_001320975.2, NM_001372024.1 and 5 more transcripts); c.-59-22C>T (NM_001320976.2); short protein forms R153*.
Identifiers: ClinVar variation 2957504 (VCV002957504.4), dbSNP rs772578318, ClinGen allele CA212813550.

ClinVar aggregate classification (germline): Pathogenic/Likely pathogenic. Review status: criteria provided, multiple submitters, no conflicts (2 of 4 stars). 2 submissions from 2 submitters: Pathogenic (1); Likely pathogenic (1). Last evaluated 2025-07-24.

Conditions:
Cardioencephalomyopathy, fatal infantile, due to cytochrome c oxidase deficiency 2 (MC4DN6). Also called: MITOCHONDRIAL COMPLEX IV DEFICIENCY, NUCLEAR TYPE 6. Identifiers: Orphanet 1561, MedGen C3554534, MONDO:0014051, OMIM 615119.

Allele frequency attached by ClinVar (database versions not stated): TOPMed below 0.00001.
gnomAD v4.1: 11 of 1,614,020 alleles (0.00068%); highest among the groups gnomAD compares: South Asian, 0.0011%; no homozygotes.

Submissions (2):

First Genomix Gene Laboratory, Genetic Diagnostics Department
Classification: Likely pathogenic for Cardioencephalomyopathy, fatal infantile, due to cytochrome c oxidase deficiency 2. Last evaluated: 2025-07-24. Review status: criteria provided, single submitter. Criteria: ACMG Guidelines, 2015. Collection method: clinical testing. Allele origin: germline. Inheritance: Autosomal recessive inheritance. Affected: no. Observed: 1 variant allele.

Labcorp Genetics (formerly Invitae), Labcorp
Classification: Pathogenic. Last evaluated: 2024-02-18. Review status: criteria provided, single submitter. Criteria: Invitae Variant Classification Sherloc (09022015). Collection method: clinical testing. Allele origin: germline.
Comment: This sequence change creates a premature translational stop signal (p.Arg153*) in the COX15 gene. It is expected to result in an absent or disrupted protein product. Loss-of-function variants in COX15 are known to be pathogenic (PMID: 15863660, 21412973). This variant is present in population databases (no rsID available, gnomAD 0.003%). This variant has not been reported in the literature in individuals affected with COX15-related conditions. Algorithms developed to predict the effect of sequence changes on RNA splicing suggest that this variant may disrupt the consensus splice site. For these reasons, this variant has been classified as Pathogenic.

Literature cited by the submitters: PubMed 15863660 (cited by Labcorp Genetics (formerly Invitae), Labcorp); PubMed 21412973 (cited by Labcorp Genetics (formerly Invitae), Labcorp).